The following is an entry in ClinVar:

ClinVar aggregate classification (germline): Uncertain significance. Review status: criteria provided, multiple submitters, no conflicts (2 of 4 stars). 2 submissions from 2 submitters: Uncertain significance (2). Last evaluated 2025-12-15.

Allele frequency attached by ClinVar (database versions not stated): ExAC 0.00003; gnomAD exomes 0.00004; ESP Exome Variant Server 0.00008; gnomAD 0.00009 and 0.00010; TOPMed 0.00009; 1000 Genomes Project 30x 0.00047; 1000 Genomes Project 0.00060.
gnomAD v4.1: 79 of 1,613,024 alleles (0.0049%); highest among the groups gnomAD compares: Middle Eastern, 0.15%; 1 homozygote.

Submissions (2):

Labcorp Genetics (formerly Invitae), Labcorp
Classification: Uncertain significance. Last evaluated: 2025-12-15. Review status: criteria provided, single submitter. Criteria: Invitae Variant Classification Sherloc (09022015). Collection method: clinical testing. Allele origin: germline.
Comment: This sequence change replaces tyrosine, which is neutral and polar, with cysteine, which is neutral and slightly polar, at codon 633 of the ARHGEF1 protein (p.Tyr633Cys). This variant is present in population databases (rs199766882, gnomAD 0.02%). This variant has not been reported in the literature in individuals affected with ARHGEF1-related conditions. ClinVar contains an entry for this variant (Variation ID: 1440034). An algorithm developed to predict the effect of missense changes on protein structure and function (PolyPhen-2) suggests that this variant is likely to be disruptive. In summary, the available evidence is currently insufficient to determine the role of this variant in disease. Therefore, it has been classified as a Variant of Uncertain Significance.

Ambry Genetics
Classification: Uncertain significance. Last evaluated: 2025-09-11. Review status: criteria provided, single submitter. Criteria: Ambry Variant Classification Scheme 2023. Collection method: clinical testing. Allele origin: germline.

NM_004706.4(ARHGEF1):c.1853A>G (p.Tyr618Cys)

Gene: ARHGEF1 (Rho guanine nucleotide exchange factor 1; plus strand). Cytogenetic location: 19q13.2.
Variant type: single nucleotide variant.
Coding change: c.1853A>G on transcript NM_004706.4 (MANE Select); coding-DNA position 1853, A replaced by G.
Protein change: p.Tyr618Cys; replaces tyrosine 618 with cysteine.
Molecular consequence: missense variant.
Genome position (GRCh38, 1-based): chr19:41,903,720, A>G. VCF-style: chr19-41903720-A-G. GRCh37 (hg19) VCF-style: chr19-42407872-A-G.
Other names: c.1898A>G (NM_199002.1); c.1754A>G, p.Tyr585Cys (NM_198977.2); c.1898A>G, p.Tyr633Cys (NM_199002.2); short protein forms Y633C, Y585C, Y618C.
Identifiers: ClinVar variation 1440034 (VCV001440034.7), dbSNP rs199766882, ClinGen allele CA9466506.